The following is an entry in ClinVar:

ClinVar aggregate classification (germline): Pathogenic. Review status: reviewed by expert panel (3 of 4 stars). 12 submissions from 12 submitters: Pathogenic (1). 11 of the submissions do not count toward it. Last evaluated 2016-04-22.

Conditions:
Ovarian neoplasm. Also called: Ovarian Neoplasms; Neoplasm of ovary; Ovarian tumor. Identifiers: MedGen C0919267, MeSH D010051, MONDO:0021068, HP:0100615.
Breast carcinoma. Also called: Carcinoma of breast. Identifiers: MedGen C0678222, MONDO:0004989, HP:0003002.
Hereditary cancer-predisposing syndrome. Also called: Hereditary Cancer Syndrome; Hereditary neoplastic syndrome; Neoplastic Syndromes, Hereditary; Tumor predisposition. Identifiers: Orphanet 140162, MedGen C0027672, MeSH D009386, MONDO:0015356.
Hereditary breast ovarian cancer syndrome. Also called: BRCA1- and BRCA2-Associated Hereditary Breast and Ovarian Cancer; Hereditary breast and ovarian cancer syndrome; Hereditary breast and ovarian cancer syndrome (HBOC); Breast and ovarian cancer; Hereditary breast and/or ovarian cancer syndrome; Hereditary breast and ovarian cancer. Identifiers: Orphanet 145, MedGen C0677776, MeSH D061325, MONDO:0003582. Disease mechanism: loss of function.
Breast-ovarian cancer, familial, susceptibility to, 1 (BROVCA1). Also called: BRCA1 Hereditary Breast and Ovarian Cancer; OVARIAN CANCER, SUSCEPTIBILITY TO. Identifiers: Orphanet 145, MedGen C2676676, MONDO:0011450, OMIM 604370. Disease mechanism: loss of function.

Submissions (12):

Evidence-based Network for the Interpretation of Germline Mutant Alleles (ENIGMA)
Classification: Pathogenic for Breast-ovarian cancer, familial, susceptibility to, 1. Last evaluated: 2016-04-22. Review status: reviewed by expert panel. Criteria: ENIGMA BRCA1/2 Classification Criteria (2015). Collection method: curation. Allele origin: germline.
Comment: Variant allele predicted to encode a truncated non-functional protein.

Labcorp Genetics (formerly Invitae), Labcorp
Classification: Pathogenic for Hereditary breast ovarian cancer syndrome. Last evaluated: 2025-12-21. Review status: criteria provided, single submitter. Criteria: Invitae Variant Classification Sherloc (09022015). Collection method: clinical testing. Allele origin: germline. Not counted in ClinVar's aggregate classification.
Comment: This sequence change creates a premature translational stop signal (p.Val1646Serfs*12) in the BRCA1 gene. It is expected to result in an absent or disrupted protein product. Loss-of-function variants in BRCA1 are known to be pathogenic (PMID: 20104584). This variant is present in population databases (rs80357705, gnomAD 0.01%). This premature translational stop signal has been observed in individual(s) with breast and/or ovarian cancer (PMID: 11710890, 25476495). This variant is also known as 5055 delG; Stop 1657. ClinVar contains an entry for this variant (Variation ID: 55322). For these reasons, this variant has been classified as Pathogenic.

GeneDx
Classification: Pathogenic. Last evaluated: 2024-09-24. Review status: criteria provided, single submitter. Criteria: GeneDx Variant Classification Process June 2021. Collection method: clinical testing. Allele origin: germline. Affected: yes. Not counted in ClinVar's aggregate classification.
Comment: Frameshift variant predicted to result in protein truncation or nonsense mediated decay in a gene for which loss-of-function is a known mechanism of disease; Not observed at significant frequency in large population cohorts (gnomAD); Truncating variants in this gene are considered pathogenic by a well-established clinical consortium and/or database; Also known as 5055delG; This variant is associated with the following publications: (PMID: 15217508, 16267036, 12112655, 29053726, 28873162, 29922827, 30040829, 11710890, 22430266, 21702907, 25476495, 21156238, 17064299, 28398198, 30014164, 33054725, 30787465, 37718511, 34620496)

Ambry Genetics
Classification: Pathogenic for Hereditary cancer-predisposing syndrome. Last evaluated: 2024-07-08. Review status: criteria provided, single submitter. Criteria: Ambry Variant Classification Scheme 2023. Collection method: clinical testing. Allele origin: germline. Not counted in ClinVar's aggregate classification.
Comment: The c.4936delG pathogenic mutation, located in coding exon 14 of the BRCA1 gene, results from a deletion of one nucleotide at nucleotide position 4936, causing a translational frameshift with a predicted alternate stop codon (p.V1646Sfs*12). This mutation has been reported in multiple individuals diagnosed with breast and/or ovarian cancer (King MC et al. JAMA, 2001 Nov;286:2251-6; Yazici H et al. Hum. Mutat., 2002 Jul;20:28-34; Lindeman GJ et al. Breast Cancer Res., 2004 Jun;6:R401-7). This mutation was also a non-founder mutation identified in individuals of full or partial Ashkenazi Jewish ancestry (Rosenthal E et al. Breast Cancer Res. Treat., 2015 Jan;149:223-7; Rosenthal E et al. Breast Cancer Res Treat, 2015 May;151:233; Barnes-Kedar I et al. Breast Cancer Res Treat, 2018 Nov;172:151-157). Of note, this alteration is also designated as 5055delG in published literature. In addition to the clinical data presented in the literature, this alteration is expected to result in loss of function by premature protein truncation or nonsense-mediated mRNA decay. As such, this alteration is interpreted as a disease-causing mutation.

Women's Health and Genetics/Laboratory Corporation of America, LabCorp
Classification: Pathogenic for Hereditary breast ovarian cancer syndrome. Last evaluated: 2024-07-05. Review status: criteria provided, single submitter. Criteria: LabCorp Variant Classification Summary - May 2015. Collection method: clinical testing. Allele origin: germline. Not counted in ClinVar's aggregate classification.
Comment: Variant summary: BRCA1 c.4936delG (p.Val1646SerfsX12) results in a premature termination codon, predicted to cause a truncation of the encoded protein or absence of the protein due to nonsense mediated decay, which are commonly known mechanisms for disease. The variant allele was found at a frequency of 8e-06 in 251230 control chromosomes. c.4936delG has been reported in the literature in individuals affected with Hereditary Breast or Ovarian Cancer (e.g. King_2001, Harter_2017). The following publications have been ascertained in the context of this evaluation (PMID: 29053726, 11710890). ClinVar contains an entry for this variant (Variation ID: 55322). Based on the evidence outlined above, the variant was classified as pathogenic.

Quest Diagnostics Nichols Institute San Juan Capistrano
Classification: Pathogenic. Last evaluated: 2024-06-12. Review status: criteria provided, single submitter. Criteria: Quest Diagnostics criteria. Collection method: clinical testing. Allele origin: unknown. Not counted in ClinVar's aggregate classification.
Comment: The BRCA1 c.4936del (p.Val1646Serfs*12) variant alters the translational reading frame of the BRCA1 mRNA and causes the premature termination of BRCA1 protein synthesis. This variant has been reported in the published literature in individuals with breast cancer (PMID: 12112655 (2002), 25476495 (2015), 30014164 (2018), 33054725 (2020)), ovarian cancer (PMID: 30040829 (2018)), and an unspecified advanced cancer (PMID: 28873162 (2017)). The frequency of this variant in the general population, 0.000008 (2/251230 chromosomes (Genome Aggregation Database)), is consistent with pathogenicity. Based on the available information, this variant is classified as pathogenic.

Color Diagnostics, LLC DBA Color Health
Classification: Pathogenic for Hereditary cancer-predisposing syndrome. Last evaluated: 2020-01-15. Review status: criteria provided, single submitter. Criteria: ACMG Guidelines, 2015. Collection method: clinical testing. Allele origin: germline. Not counted in ClinVar's aggregate classification.
Comment: This variant deletes 1 nucleotide in exon 15 of the BRCA1 gene, creating a frameshift and premature translation stop signal. This variant is expected to result in an absent or non-functional protein product. This variant has been identified in 2/251230 chromosomes in the general population by the Genome Aggregation Database (gnomAD). Loss of BRCA1 function is a known mechanism of disease. Based on the available evidence, this variant is classified as Pathogenic.

Consortium of Investigators of Modifiers of BRCA1/2 (CIMBA), c/o University of Cambridge
Classification: Pathogenic for Breast-ovarian cancer, familial, susceptibility to, 1. Last evaluated: 2015-10-02. Review status: criteria provided, single submitter. Criteria: CIMBA Mutation Classification guidelines May 2016. Collection method: clinical testing. Allele origin: germline. Not counted in ClinVar's aggregate classification.

Medical Genetics Laboratory, Umraniye Training and Research Hospital, University of Health Sciences
Classification: Pathogenic for Breast carcinoma. Last evaluated: 2021-08-09. Review status: no assertion criteria provided. Collection method: clinical testing. Allele origin: germline. Affected: yes. Observed: 1 variant allele, 1 heterozygote. Not counted in ClinVar's aggregate classification.

German Consortium for Hereditary Breast and Ovarian Cancer, University Hospital Cologne
Classification: Pathogenic for Ovarian neoplasm. Last evaluated: 2018-12-01. Review status: no assertion criteria provided. Collection method: research. Allele origin: germline. Affected: yes. Not counted in ClinVar's aggregate classification.

Research Molecular Genetics Laboratory, Women's College Hospital, University of Toronto
Classification: Pathogenic for Hereditary breast ovarian cancer syndrome. Last evaluated: 2014-01-31. Review status: no assertion criteria provided. Collection method: research. Allele origin: germline. Affected: yes. Study: The Canadian Open Genetics Repository (COGR). Not counted in ClinVar's aggregate classification.

Breast Cancer Information Core (BIC) (BRCA1)
Classification: Pathogenic for Breast-ovarian cancer, familial 1. Last evaluated: 1999-06-21. Review status: no assertion criteria provided. Collection method: clinical testing. Allele origin: germline. Affected: yes. Observed: 4 variant alleles. Not counted in ClinVar's aggregate classification.

Literature cited by the submitters: PubMed 20104584 (cited by Labcorp Genetics (formerly Invitae), Labcorp); PubMed 11710890 (cited by 4 submitters); PubMed 25476495 (cited by 3 submitters); PubMed 12112655 (cited by Ambry Genetics and Quest Diagnostics Nichols Institute San Juan Capistrano); PubMed 15217508 (cited by Ambry Genetics); PubMed 25850536 (cited by Ambry Genetics); PubMed 30014164 (cited by Ambry Genetics and Quest Diagnostics Nichols Institute San Juan Capistrano); PubMed 29053726 (cited by Women's Health and Genetics/Laboratory Corporation of America, LabCorp); PubMed 33054725 (cited by Quest Diagnostics Nichols Institute San Juan Capistrano); PubMed 28873162 (cited by Quest Diagnostics Nichols Institute San Juan Capistrano); PubMed 30040829 (cited by Quest Diagnostics Nichols Institute San Juan Capistrano); PubMed 29922827 (cited by Quest Diagnostics Nichols Institute San Juan Capistrano); PubMed 31209999 (cited by Quest Diagnostics Nichols Institute San Juan Capistrano).

NM_007294.4(BRCA1):c.4936del (p.Val1646fs)

Gene: BRCA1 (BRCA1 DNA repair associated; minus strand). Cytogenetic location: 17q21.31.
Variant type: Deletion.
Coding change: c.4936del on transcript NM_007294.4 (MANE Select); coding-DNA position 4936, one base deleted (G; older notation c.4936delG).
Protein change: p.Val1646fs; shifts the reading frame from valine 1646.
Molecular consequence: frameshift variant. On other transcripts: non-coding transcript variant (1).
Genome position (GRCh38, 1-based): chr17:43,070,978, C deleted on the plus strand (G on the coding strand, the reverse complement: BRCA1 is on the minus strand); the first of 3 consecutive C bases (chr17:43,070,978-43,070,980); deleting any one gives the same sequence. VCF-style (leftmost placement, unchanged base first): chr17-43070977-AC-A. GRCh37 (hg19) VCF-style: chr17-41222994-AC-A.
Other names: 5055delG; 5053delG; c.4936delG (NM_007294.3); c.4787delG, p.Val1597Serfs (NM_001407839.1, NM_001407841.1, NM_001407842.1 and 12 more transcripts); c.4934delG, p.Val1646Serfs (NM_001407854.1, NM_001407593.1, NM_001407594.1 and 8 more transcripts); c.4931delG, p.Val1645Serfs (NM_001407858.1, NM_001407859.1, NM_001407860.1 and 17 more transcripts); c.4928delG, p.Val1644Serfs (NM_001407861.1, NM_001407627.1, NM_001407628.1 and 14 more transcripts); c.4733delG, p.Val1579Serfs (NM_001407862.1); and 76 more; short protein forms V542fs, V1599fs, V1667fs, V1646fs.
Identifiers: ClinVar variation 55322 (VCV000055322.43), dbSNP rs80357653, ClinGen allele CA003086.